The following is an entry in ClinVar:

ClinVar aggregate classification (germline): Uncertain significance. Review status: criteria provided, multiple submitters, no conflicts (2 of 4 stars). 2 submissions from 2 submitters: Uncertain significance (2). Last evaluated 2022-11-03.

Conditions:
Severe combined immunodeficiency due to DNA-PKcs deficiency. Also called: IMMUNODEFICIENCY 26 WITH NEUROLOGIC ABNORMALITIES; Immunodeficiency 26 with or without neurologic abnormalities. Identifiers: Orphanet 317425, MedGen C4014833, MONDO:0014423, OMIM 615966.

Allele frequency attached by ClinVar (database versions not stated): gnomAD exomes 0.00002; gnomAD 0.00005; TOPMed 0.00005.
gnomAD v4.1: 41 of 1,603,408 alleles (0.0026%); highest among the groups gnomAD compares: Non-Finnish European, 0.0032%; no homozygotes.

Submissions (2):

Ambry Genetics
Classification: Uncertain significance. Last evaluated: 2022-11-03. Review status: criteria provided, single submitter. Criteria: Ambry Variant Classification Scheme 2023. Collection method: clinical testing. Allele origin: germline.
Comment: The p.A331T variant (also known as c.991G>A), located in coding exon 11 of the PRKDC gene, results from a G to A substitution at nucleotide position 991. The alanine at codon 331 is replaced by threonine, an amino acid with similar properties. This amino acid position is conserved. In addition, this alteration is predicted to be tolerated by in silico analysis. Since supporting evidence is limited at this time, the clinical significance of this alteration remains unclear.

Labcorp Genetics (formerly Invitae), Labcorp
Classification: Uncertain significance for Severe combined immunodeficiency due to DNA-PKcs deficiency. Last evaluated: 2022-03-19. Review status: criteria provided, single submitter. Criteria: Invitae Variant Classification Sherloc (09022015). Collection method: clinical testing. Allele origin: germline.
Comment: This sequence change replaces alanine, which is neutral and non-polar, with threonine, which is neutral and polar, at codon 331 of the PRKDC protein (p.Ala331Thr). This variant is present in population databases (rs751671583, gnomAD 0.004%). This variant has not been reported in the literature in individuals affected with PRKDC-related conditions. ClinVar contains an entry for this variant (Variation ID: 856566). In summary, the available evidence is currently insufficient to determine the role of this variant in disease. Therefore, it has been classified as a Variant of Uncertain Significance.

NM_006904.7(PRKDC):c.991G>A (p.Ala331Thr)

Gene: PRKDC (protein kinase, DNA-activated, catalytic subunit; minus strand). Cytogenetic location: 8q11.21.
Variant type: single nucleotide variant.
Coding change: c.991G>A on transcript NM_006904.7 (MANE Select); coding-DNA position 991, G replaced by A.
Protein change: p.Ala331Thr; replaces alanine 331 with threonine.
Molecular consequence: missense variant.
Genome position (GRCh38, 1-based): chr8:47,939,673, C>T on the plus strand (G>A on the coding strand, the complement: PRKDC is on the minus strand). VCF-style: chr8-47939673-C-T. GRCh37 (hg19) VCF-style: chr8-48852233-C-T.
Other names: c.991G>A, p.Ala331Thr (NM_001081640.2); short protein forms A331T.
Identifiers: ClinVar variation 856566 (VCV000856566.7), dbSNP rs751671583, ClinGen allele CA4741853.